The following is an entry in ClinVar:

NM_030662.4(MAP2K2):c.1178G>T (p.Gly393Val)

Gene: MAP2K2 (mitogen-activated protein kinase kinase 2; minus strand). Cytogenetic location: 19p13.3.
Variant type: single nucleotide variant.
Coding change: c.1178G>T on transcript NM_030662.4 (MANE Select); coding-DNA position 1178, G replaced by T.
Protein change: p.Gly393Val; replaces glycine 393 with valine.
Molecular consequence: missense variant.
Genome position (GRCh38, 1-based): chr19:4,090,623, C>A on the plus strand (G>T on the coding strand, the complement: MAP2K2 is on the minus strand). VCF-style: chr19-4090623-C-A. GRCh37 (hg19) VCF-style: chr19-4090621-C-A.
Other names: short protein forms G393V.
Identifiers: ClinVar variation 2882490 (VCV002882490.3), dbSNP rs1202213101, ClinGen allele CA403380729.

ClinVar aggregate classification (germline): Uncertain significance (1 of 4 stars; one submission).

Conditions:
RASopathy. Also called: rasopathies; Noonan spectrum disorder. Identifiers: Orphanet 536391, MedGen C5555857, MONDO:0021060.

Allele frequency attached by ClinVar (database versions not stated): gnomAD exomes 0.00001; TOPMed below 0.00001.
gnomAD v4.1: 4 of 1,552,988 alleles (0.00026%); highest among the groups gnomAD compares: Non-Finnish European, 0.00035%; no homozygotes.

Submission:

Labcorp Genetics (formerly Invitae), Labcorp
Classification: Uncertain significance for RASopathy. Last evaluated: 2025-02-28. Review status: criteria provided, single submitter. Criteria: Invitae Variant Classification Sherloc (09022015). Collection method: clinical testing. Allele origin: germline.
Comment: This sequence change replaces glycine, which is neutral and non-polar, with valine, which is neutral and non-polar, at codon 393 of the MAP2K2 protein (p.Gly393Val). This variant is not present in population databases (gnomAD no frequency). This variant has not been reported in the literature in individuals affected with MAP2K2-related conditions. ClinVar contains an entry for this variant (Variation ID: 2882490). Invitae Evidence Modeling of protein sequence and biophysical properties (such as structural, functional, and spatial information, amino acid conservation, physicochemical variation, residue mobility, and thermodynamic stability) indicates that this missense variant is not expected to disrupt MAP2K2 protein function with a negative predictive value of 95%. In summary, the available evidence is currently insufficient to determine the role of this variant in disease. Therefore, it has been classified as a Variant of Uncertain Significance.